The following is an entry in ClinVar:

NM_000466.3(PEX1):c.1832C>T (p.Ala611Val)

Gene: PEX1 (peroxisomal biogenesis factor 1; minus strand). Cytogenetic location: 7q21.2.
Variant type: single nucleotide variant.
Coding change: c.1832C>T on transcript NM_000466.3 (MANE Select); coding-DNA position 1832, C replaced by T.
Protein change: p.Ala611Val; replaces alanine 611 with valine.
Molecular consequence: missense variant.
Genome position (GRCh38, 1-based): chr7:92,506,316, G>A on the plus strand (C>T on the coding strand, the complement: PEX1 is on the minus strand). VCF-style: chr7-92506316-G-A. GRCh37 (hg19) VCF-style: chr7-92135630-G-A.
Other names: c.1832C>T (NM_000466.2); c.1832C>T, p.Ala611Val (NM_001282677.2); c.1208C>T, p.Ala403Val (NM_001282678.2); short protein forms A403V, A611V.
Identifiers: ClinVar variation 1351456 (VCV001351456.4), dbSNP rs2116176413, ClinGen allele CA368185219.

ClinVar aggregate classification (germline): Uncertain significance. Review status: criteria provided, single submitter (1 of 4 stars). 2 submissions from 2 submitters: Uncertain significance (1). 1 of the submissions does not count toward it. Last evaluated 2021-09-24.

Conditions:
Zellweger spectrum disorders (ZS). Also called: Zellweger Spectrum Disorder (ZSD); Zellweger syndrome; Zellweger Spectrum Disorder; Zellweger Spectrum. Identifiers: Orphanet 912, MedGen C0043459, MONDO:0019609.

Submissions (2):

Labcorp Genetics (formerly Invitae), Labcorp
Classification: Uncertain significance for Zellweger spectrum disorders. Last evaluated: 2021-09-24. Review status: criteria provided, single submitter. Criteria: Invitae Variant Classification Sherloc (09022015). Collection method: clinical testing. Allele origin: germline.
Comment: This sequence change replaces alanine with valine at codon 611 of the PEX1 protein (p.Ala611Val). The alanine residue is moderately conserved and there is a small physicochemical difference between alanine and valine. This variant is not present in population databases (ExAC no frequency). This variant has not been reported in the literature in individuals affected with PEX1-related conditions. Algorithms developed to predict the effect of missense changes on protein structure and function are either unavailable or do not agree on the potential impact of this missense change (SIFT: "Tolerated"; PolyPhen-2: "Probably Damaging"; Align-GVGD: "Class C0"). Algorithms developed to predict the effect of sequence changes on RNA splicing suggest that this variant may create or strengthen a splice site. In summary, the available evidence is currently insufficient to determine the role of this variant in disease. Therefore, it has been classified as a Variant of Uncertain Significance.

Natera, Inc.
Classification: Uncertain significance for Zellweger syndrome. Last evaluated: 2025-03-09. Review status: no assertion criteria provided. Collection method: clinical testing. Allele origin: germline. Not counted in ClinVar's aggregate classification.